The following is an entry in ClinVar:

NM_021096.4(CACNA1I):c.2308A>G (p.Met770Val)

Gene: CACNA1I (calcium voltage-gated channel subunit alpha1 I; plus strand). Cytogenetic location: 22q13.1.
Variant type: single nucleotide variant.
Coding change: c.2308A>G on transcript NM_021096.4 (MANE Select); coding-DNA position 2308, A replaced by G.
Protein change: p.Met770Val; replaces methionine 770 with valine.
Molecular consequence: missense variant.
Genome position (GRCh38, 1-based): chr22:39,659,094, A>G. VCF-style: chr22-39659094-A-G. GRCh37 (hg19) VCF-style: chr22-40055099-A-G.
Other names: c.2203A>G, p.Met735Val (NM_001003406.2); short protein forms M735V, M770V.
Identifiers: ClinVar variation 4886238 (VCV004886238.2).
Genomic context (GRCh38, chr22:39,659,094, plus strand): 5'-CGCCAGCTCGTGGTGCTCATGAAGACCATGGACAACGTGGCCACCTTCTGCATGCTGCTC[A>G]TGCTCTTCATCTTCATCTTCAGGTGAGCCTGCCCTGCTGGGGGCCATACCTCAGCACCTG-3'
Protein context (NP_066919.2, residues 760-780): DNVATFCMLL[Met770Val]LFIFIFSILG

ClinVar aggregate classification (germline): Uncertain significance (1 of 4 stars; one submission).

gnomAD v4.1: 1 of 1,613,068 alleles (0.000062%); highest among the groups gnomAD compares: Non-Finnish European, 0.000085%; no homozygotes.

Submission:

Dasa
Classification: Uncertain significance. Last evaluated: 2026-04-10. Review status: criteria provided, single submitter. Criteria: DASA Assertion Criteria. Collection method: clinical testing. Allele origin: germline.
Comment: NM_021096.4(CACNA1I):c.2308A>G (p.Met770Val) is a missense variant that results in the substitution of methionine with valine. This variant is rare in population databases. Computational prediction algorithms are consistent with a deleterious effect. The currently available literature and clinical evidence are not sufficient to establish a definitive association between this variant and the reported condition. Therefore, this variant is classified as a variant of uncertain significance.